The following is an entry in ClinVar:

ClinVar aggregate classification (germline): Uncertain significance (1 of 4 stars; one submission).

Conditions:
Cardiovascular phenotype. Identifiers: MedGen CN230736.

gnomAD v4.1: 1 of 1,055,192 alleles (0.000095%); highest among the groups gnomAD compares: African/African-American, 0.0017%; no homozygotes.

Submission:

Ambry Genetics
Classification: Uncertain significance for Cardiovascular phenotype. Last evaluated: 2025-05-18. Review status: criteria provided, single submitter. Criteria: Ambry Variant Classification Scheme 2023. Collection method: clinical testing. Allele origin: germline.
Comment: The p.H541D variant (also known as c.1621C>G), located in coding exon 28 of the TRDN gene, results from a C to G substitution at nucleotide position 1621. The histidine at codon 541 is replaced by aspartic acid, an amino acid with similar properties. This amino acid position is conserved. In addition, this alteration is predicted to be tolerated by in silico analysis. Based on the available evidence, the clinical significance of this variant remains unclear.

NM_006073.4(TRDN):c.1621C>G (p.His541Asp)

Gene: TRDN (triadin; minus strand). Cytogenetic location: 6q22.31.
Variant type: single nucleotide variant.
Coding change: c.1621C>G on transcript NM_006073.4 (MANE Select); coding-DNA position 1621, C replaced by G.
Protein change: p.His541Asp; replaces histidine 541 with aspartic acid.
Molecular consequence: missense variant.
Genome position (GRCh38, 1-based): chr6:123,273,340, G>C on the plus strand (C>G on the coding strand, the complement: TRDN is on the minus strand). VCF-style: chr6-123273340-G-C. GRCh37 (hg19) VCF-style: chr6-123594485-G-C.
Other names: short protein forms H541D.
Identifiers: ClinVar variation 3973123 (VCV003973123.1).